The following is an entry in ClinVar:

ClinVar aggregate classification (germline): Likely benign. Review status: criteria provided, multiple submitters, no conflicts (2 of 4 stars). 3 submissions from 3 submitters: Likely benign (3). Last evaluated 2025-06-23.

Conditions:
Spinocerebellar ataxia type 19/22 (SCA19). Also called: SPINOCEREBELLAR ATAXIA 19; SPINOCEREBELLAR ATAXIA 22. Identifiers: Orphanet 98772, MedGen C1846367, MONDO:0011819, OMIM 607346.
Cardiovascular phenotype. Identifiers: MedGen CN230736.

Allele frequency attached by ClinVar (database versions not stated): gnomAD exomes 0.00001 and 0.00002; TOPMed 0.00001; ExAC 0.00002.
gnomAD v4.1: 16 of 1,613,558 alleles (0.00099%); highest among the groups gnomAD compares: Admixed American, 0.0017%; no homozygotes.

Submissions (3):

Labcorp Genetics (formerly Invitae), Labcorp
Classification: Likely benign for Spinocerebellar ataxia type 19/22. Last evaluated: 2025-06-23. Review status: criteria provided, single submitter. Criteria: Invitae Variant Classification Sherloc (09022015). Collection method: clinical testing. Allele origin: germline.

CeGaT Center for Human Genetics Tuebingen
Classification: Likely benign. Last evaluated: 2023-03-01. Review status: criteria provided, single submitter. Criteria: CeGaT Center For Human Genetics Tuebingen Variant Classification Criteria Version 2. Collection method: clinical testing. Allele origin: germline. Affected: yes. Observed: 1 variant allele.
Comment: KCND3: BP4, BP7

Ambry Genetics
Classification: Likely benign for Cardiovascular phenotype. Last evaluated: 2020-03-18. Review status: criteria provided, single submitter. Criteria: Ambry Variant Classification Scheme 2023. Collection method: clinical testing. Allele origin: germline.

NM_001378969.1(KCND3):c.1752C>A (p.Pro584=)

Gene: KCND3 (potassium voltage-gated channel subfamily D member 3; minus strand). Cytogenetic location: 1p13.2.
Variant type: single nucleotide variant.
Coding change: c.1752C>A on transcript NM_001378969.1 (MANE Select); coding-DNA position 1752, C replaced by A.
Protein change: p.Pro584=; no amino-acid change (proline 584 retained).
Molecular consequence: synonymous variant.
Genome position (GRCh38, 1-based): chr1:111,777,040, G>T on the plus strand (C>A on the coding strand, the complement: KCND3 is on the minus strand). VCF-style: chr1-111777040-G-T. GRCh37 (hg19) VCF-style: chr1-112319662-G-T.
Other names: c.1695C>A, p.Pro565= (NM_001378970.1, NM_172198.3); c.1752C>A, p.Pro584= (NM_004980.5).
Identifiers: ClinVar variation 1619325 (VCV001619325.33), dbSNP rs771385731, ClinGen allele CA1007363.